The following continues an entry in ClinVar:

NM_000500.9(CYP21A2):c.293-13C>G

ClinVar aggregate classification (germline): Pathogenic/Likely pathogenic. Pathogenic (36); Likely pathogenic (2).

Submissions 10 to 28 of 48:

Lildballe Lab, Aarhus University Hospital
Classification: Pathogenic for congenital adrenal hyperplasia, due to 21-hydroxylase deficiency. Last evaluated: 2025-10-09. Review status: criteria provided, single submitter. Criteria: ACMG Guidelines, 2015. Collection method: research. Allele origin: germline. Affected: yes.
Comment: PM3verystrong PS3sup PM2sup. PS4sup

Ambry Genetics
Classification: Pathogenic for Inborn genetic diseases. Last evaluated: 2025-07-10. Review status: criteria provided, single submitter. Criteria: Ambry Variant Classification Scheme 2023. Collection method: clinical testing. Allele origin: germline.
Comment: The c.293-13C>G intronic alteration results from a C to G substitution 13 nucleotides before coding exon 3 of the CYP21A2 gene. Based on data from gnomAD, the G allele has an overall frequency of 0.221% (557/252618) total alleles studied. The highest observed frequency was 0.371% (36/9714) of Ashkenazi Jewish alleles. This variant has been identified in the homozygous state and in conjunction with other CYP21A2 variants in individuals with features consistent with 21-hydroxylase deficiency; in at least one instance, the variants were identified in trans (Liu, 2018; Xu, 2019; Tang, 2023). This nucleotide position is poorly conserved in available vertebrate species. In an assay testing CYP21A2 function, this variant showed a functionally abnormal result (Higashi, 1988). In silico splice site analysis predicts that this alteration will weaken the native splice acceptor site. Based on the available evidence, this alteration is classified as pathogenic.

Revvity Omics, Revvity
Classification: Pathogenic. Last evaluated: 2025-06-10. Review status: criteria provided, single submitter. Criteria: ACMG Guidelines, 2015. Collection method: clinical testing. Allele origin: germline.

Athena Diagnostics
Classification: Pathogenic. Last evaluated: 2025-05-05. Review status: criteria provided, single submitter. Criteria: Athena Diagnostics Criteria. Collection method: clinical testing. Allele origin: unknown.
Comment: This variant is located in a genomic region of low or unreliable sequencing quality, and therefore estimations of its population frequency are uninformative in assessment of variant pathogenicity. (Genome Aggregation Database (gnomAD), Cambridge, MA (URL)) In multiple individuals, this variant has been seen in trans with other recessive pathogenic variants in CYP21A2, suggesting this variant is also pathogenic. In some published literature, this variant is referred to by nucleotide 655 or 656, and also called the intron 2 G, I2G, or I2 splice variant. Assessment of experimental evidence suggests this variant results in abnormal protein function. Normal splicing abrogated (PMID: 2845408 (1988))

Quest Diagnostics Nichols Institute San Juan Capistrano
Classification: Pathogenic. Last evaluated: 2025-05-05. Review status: criteria provided, single submitter. Criteria: Quest Diagnostics criteria. Collection method: clinical testing. Allele origin: unknown.
Comment: The CYP21A2 c.293-13C>G variant has been reported in the published literature in to disrupt normal splicing of the CYP21A2 mRNA (PMID: 2845408 (1988)) and is usually associated with classic CAH, salt wasting or simple virilizing (PMIDs: 1644925 (1992), 12213891 (2002), 12788880 (2003), 12915679 (2003), 18381579 (2008), 31586465 (2020), 32289882 (2020), 32959514 (2020), 38618509 (2024), 39451515 (2024)). Based on the available information, this variant is classified as pathogenic.

Blueprint Genetics
Classification: Pathogenic for CYP21A2-related disorders. Last evaluated: 2024-11-27. Review status: criteria provided, single submitter. Criteria: ACMG Guidelines, 2015. Collection method: clinical testing. Allele origin: germline. Affected: yes. Observed: 5 variant alleles.

Dubai Health Genomic Medicine Center, Dubai Health
Classification: Pathogenic for Adrenal hyperplasia, congenital, due to 21-hydroxylase deficiency. Last evaluated: 2024-10-04. Review status: criteria provided, single submitter. Criteria: ACMG Guidelines, 2015. Collection method: research. Allele origin: germline. Affected: yes.
Comment: PM3_VeryStrong, PS3

Genomic Medicine Center of Excellence, King Faisal Specialist Hospital and Research Centre
Classification: Likely pathogenic for 21-Hydroxylase-Deficient Congenital Adrenal Hyperplasia. Last evaluated: 2024-04-04. Review status: criteria provided, single submitter. Criteria: ACMG Guidelines, 2015. Collection method: clinical testing. Allele origin: germline.

Laboratory of Medical Genetics, National & Kapodistrian University of Athens
Classification: Pathogenic for 21-Hydroxylase-Deficient Congenital Adrenal Hyperplasia. Last evaluated: 2024-02-01. Review status: criteria provided, single submitter. Criteria: ACMG Guidelines, 2015. Collection method: curation. Allele origin: germline. Affected: no.

Provincial Medical Genetics Program of British Columbia, University of British Columbia
Classification: Pathogenic for 21-Hydroxylase-Deficient Congenital Adrenal Hyperplasia. Last evaluated: 2023-12-28. Review status: criteria provided, single submitter. Criteria: ACMG Guidelines, 2015. Collection method: clinical testing. Allele origin: maternal. Affected: yes.

Baylor Genetics
Classification: Pathogenic for 21-Hydroxylase-Deficient Congenital Adrenal Hyperplasia. Last evaluated: 2023-05-03. Review status: criteria provided, single submitter. Criteria: ACMG Guidelines, 2015. Collection method: clinical testing. Allele origin: unknown.

Women's Health and Genetics/Laboratory Corporation of America, LabCorp
Classification: Pathogenic for 21-Hydroxylase-Deficient Congenital Adrenal Hyperplasia. Last evaluated: 2023-03-15. Review status: criteria provided, single submitter. Criteria: LabCorp Variant Classification Summary - May 2015. Collection method: clinical testing. Allele origin: germline.
Comment: Variant summary: CYP21A2 c.293-13C>G alters a non-conserved nucleotide located close to a canonical splice site and therefore could affect mRNA splicing, leading to a significantly altered protein sequence. Several computational tools predict a significant impact on normal splicing: Two predict the variant weakens a 3' acceptor site, and one predicts the variant abolishes a 3' acceptor site. At least one publication reports experimental evidence that this variant affects mRNA splicing (e.g., Higashi_1988). The variant allele was found at a frequency of 0.0023 in 221616 control chromosomes (gnomAD v2.1, Exomes cohort), however, this allele frequency data may be unreliable due to reported possible pseudogene overlap. c.293-13C>G has been reported in the literature in numerous homozygous and compound heterozygous individuals affected with Congenital Adrenal Hyperplasia/Salt Wasting, presenting with salt-wasting, simple virilizing, and non-classical phenotypes (e.g., Wilson_2007, New_2013). These data indicate that the variant is very likely to be associated with disease. At least one publication reports experimental evidence evaluating an impact on protein function, finding that COS cells transfected with the variant displayed undetectable steroid 21-hydroxylase activity (e.g., Higashi_1988). Nineteen ClinVar submitters (evaluation after 2014) have cited the variant, with eighteen submitters classifying the variant as pathogenic and only one submitter classifying the variant as uncertain significance. Based on the evidence outlined above, the variant was classified as pathogenic.

Clinical Genetics Laboratory, Skane University Hospital Lund
Classification: Pathogenic. Last evaluated: 2022-08-18. Review status: criteria provided, single submitter. Criteria: ACMG Guidelines, 2015. Collection method: clinical testing. Allele origin: germline. Affected: yes.

Newborn Screening Ontario, Children's Hospital of Eastern Ontario (CHEO)
Classification: Pathogenic for 21-Hydroxylase-Deficient Congenital Adrenal Hyperplasia. Last evaluated: 2022-06-01. Review status: criteria provided, single submitter. Criteria: ACMG Guidelines, 2015. Collection method: clinical testing. Allele origin: germline. Inheritance: Autosomal recessive inheritance.

Institute of Human Genetics, University of Leipzig Medical Center
Classification: Pathogenic for 21-Hydroxylase-Deficient Congenital Adrenal Hyperplasia. Last evaluated: 2021-07-21. Review status: criteria provided, single submitter. Criteria: ACMG Guidelines, 2015. Collection method: clinical testing. Allele origin: unknown. Affected: yes.
Comment: This variant was identified as compound heterozygous with NM_000500.9:c.?_939+50del.

Greenwood Genetic Center Diagnostic Laboratories, Greenwood Genetic Center
Classification: Pathogenic. Last evaluated: 2021-02-05. Review status: criteria provided, single submitter. Criteria: ACMG Guidelines, 2015. Collection method: clinical testing. Allele origin: germline. Affected: yes.
Comment: PS3, PS4

Breakthrough Genomics
Classification: Pathogenic for 21-Hydroxylase-Deficient Congenital Adrenal Hyperplasia. Last evaluated: 2020-10-27. Review status: criteria provided, single submitter. Criteria: ACMG Guidelines, 2015. Collection method: clinical testing. Allele origin: germline. Affected: yes.
Comment: This variant is a well-established pathogenic variant and reported as the most frequent nondeletional mutation found in patients with classic congenital adrenal hyperplasia due to 21-hydroxylase deficiency [PMID: 20301350, 1644925, 2845408, 25041270]. The variant has been reported to cause aberrant splicing of intron 2 resulting in a shift in the translational reading frame [PMID: 20301350, 2845408, 1869518].

Human Genome Sequencing Center Clinical Lab, Baylor College of Medicine
Classification: Pathogenic for congenital adrenal hyperplasia. Last evaluated: 2020-06-18. Review status: criteria provided, single submitter. Criteria: ACMG Guidelines, 2015. Collection method: clinical testing. Allele origin: unknown.
Comment: This c.293-13C>G variant is among the most frequent pathogenic variants in patients with classic congenital adrenal hyperplasia due to 21-hydroxylase deficiency [OMIM 613815.0006]. It causes premature splicing of the intron and a shift in the translational reading frame [PMID 15146390, 25525159]. This variant has been detected in 206 heterozygous and 2 homozygous individuals from the ExAC population database and in affected patients at the homozygous state in our internal database. This variant is classified as pathogenic. Homozygosity for this variant is also considered medically actionable.

New York Genome Center
Classification: Pathogenic for 21-Hydroxylase-Deficient Congenital Adrenal Hyperplasia. Last evaluated: 2020-01-08. Review status: criteria provided, single submitter. Criteria: NYGC Assertion Criteria 2020. Collection method: clinical testing. Allele origin: germline. Observed: 1 heterozygote. Study: CSER-NYCKidSeq.